The following is an entry in ClinVar:

NM_002160.4(TNC):c.2852C>T (p.Thr951Ile)

Gene: TNC (tenascin C; minus strand). Cytogenetic location: 9q33.1.
Variant type: single nucleotide variant.
Coding change: c.2852C>T on transcript NM_002160.4 (MANE Select); coding-DNA position 2852, C replaced by T.
Protein change: p.Thr951Ile; replaces threonine 951 with isoleucine.
Molecular consequence: missense variant.
Genome position (GRCh38, 1-based): chr9:115,076,398, G>A on the plus strand (C>T on the coding strand, the complement: TNC is on the minus strand). VCF-style: chr9-115076398-G-A. GRCh37 (hg19) VCF-style: chr9-117838677-G-A.
Other names: c.2852C>T, p.Thr951Ile (NM_001410991.1, NM_001439065.1, NM_001439066.1 and 35 more transcripts); short protein forms T951I.
Identifiers: ClinVar variation 4988788 (VCV004988788.1).
Genomic context (GRCh38, chr9:115,076,398, plus strand): 5'-TAAGGGCCCTCTAGGGCTGGCTGGCTCAGGCTTGCAGAGATGCAGAGCTCACCTGTGAGT[G>A]TGGTTTTGGTTGTGGCTTGTTGGCTCTTTGGAACATCAACCTCAGCGTGGTCCCCTCCAG-3'
Protein context (NP_002151.2, residues 941-961): PKSQQATTKT[Thr951Ile]LTGLRPGTEY

ClinVar aggregate classification (germline): Likely benign (1 of 4 stars; one submission).

Conditions:
TNC-related disorder. Also called: TNC-related condition.

gnomAD v4.1: 177 of 1,614,140 alleles (0.011%); highest among the groups gnomAD compares: East Asian, 0.16%; no homozygotes.

Submission:

PreventionGenetics, part of Exact Sciences
Classification: Likely benign for TNC-related condition. Last evaluated: 2025-03-14. Review status: criteria provided, single submitter. Criteria: ACMG Guidelines, 2015. Collection method: clinical testing. Allele origin: germline.
Comment: This variant is classified as likely benign based on ACMG/AMP sequence variant interpretation guidelines (Richards et al. 2015 PMID: 25741868, with internal and published modifications).